The following is an entry in ClinVar:

ClinVar aggregate classification (germline): other (0 of 4 stars; one submission).

Conditions:
Familial colorectal cancer. Identifiers: MedGen CN280943, MONDO:0023113. Disease mechanism: loss of function.

Allele frequency attached by ClinVar (database versions not stated): gnomAD 0.42635 and 0.43895; TOPMed 0.43801; 1000 Genomes Project 30x 0.46190; 1000 Genomes Project 0.46665.
gnomAD v4.1: 66,840 of 151,994 alleles (44%); highest among the groups gnomAD compares: East Asian, 69%; 17,153 homozygotes.

Submission:

Systems Biology Platform Zhejiang California International NanoSystems Institute
Classification: other for Familial colorectal cancer. Review status: no assertion criteria provided. Collection method: not provided. Allele origin: unknown.
ClinVar note: Converted during submission from cancer to other.

NM_000038.6(APC):c.729+3062A>G

Gene: APC (APC regulator of WNT signaling pathway; plus strand). Cytogenetic location: 5q22.2.
Variant type: single nucleotide variant.
Coding change: c.729+3062A>G on transcript NM_000038.6 (MANE Select); 3062 bases into the intron after coding-DNA position 729, A replaced by G.
Molecular consequence: intron variant.
Genome position (GRCh38, 1-based): chr5:112,795,591, A>G. VCF-style: chr5-112795591-A-G. GRCh37 (hg19) VCF-style: chr5-112131288-A-G.
Other names: c.729+3062A>G (NM_001354895.2, NM_001127510.3, NM_001354896.2 and 1 more transcripts); c.759+3062A>G (NM_001354897.2, NM_001354902.2); c.676-5688A>G (NM_001127511.3); c.654+3062A>G (NM_001354898.2, NM_001354904.2); c.-307+3062A>G (NM_001354906.2); c.646-5688A>G (NM_001354899.2); c.552+3062A>G (NM_001354900.2, NM_001354901.2, NM_001354905.2).
Identifiers: ClinVar variation 83018 (VCV000083018.2), dbSNP rs2431514, ClinGen allele CA013196.